The following is an entry in ClinVar:

NM_001042492.3(NF1):c.5410G>A (p.Ala1804Thr)

Gene: NF1 (neurofibromin 1; plus strand). Cytogenetic location: 17q11.2.
Variant type: single nucleotide variant.
Coding change: c.5410G>A on transcript NM_001042492.3 (MANE Select); coding-DNA position 5410, G replaced by A.
Protein change: p.Ala1804Thr; replaces alanine 1804 with threonine.
Molecular consequence: missense variant.
Genome position (GRCh38, 1-based): chr17:31,327,640, G>A. VCF-style: chr17-31327640-G-A. GRCh37 (hg19) VCF-style: chr17-29654658-G-A.
Other names: c.5347G>A, p.Ala1783Thr (NM_000267.4); short protein forms A1783T, A1804T.
Identifiers: ClinVar variation 1489790 (VCV001489790.6), dbSNP rs2151541269, ClinGen allele CA399009377.

ClinVar aggregate classification (germline): Uncertain significance (1 of 4 stars; one submission).

Conditions:
Neurofibromatosis, type 1 (NF1). Also called: NEUROFIBROMATOSIS, TYPE I, SOMATIC; Neurofibromatosis, type I; VON RECKLINGHAUSEN DISEASE; Peripheral type neurofibromatosis. Identifiers: Orphanet 636, MedGen C0027831, MONDO:0018975, OMIM 162200. Disease mechanism: loss of function.

gnomAD v4.1: 1 of 1,614,112 alleles (0.000062%); highest among the groups gnomAD compares: Non-Finnish European, 0.000085%; no homozygotes.

Submission:

Labcorp Genetics (formerly Invitae), Labcorp
Classification: Uncertain significance for Neurofibromatosis, type 1. Last evaluated: 2024-07-03. Review status: criteria provided, single submitter. Criteria: Invitae Variant Classification Sherloc (09022015). Collection method: clinical testing. Allele origin: germline.
Comment: This sequence change replaces alanine, which is neutral and non-polar, with threonine, which is neutral and polar, at codon 1783 of the NF1 protein (p.Ala1783Thr). This variant is not present in population databases (gnomAD no frequency). This variant has not been reported in the literature in individuals affected with NF1-related conditions. ClinVar contains an entry for this variant (Variation ID: 1489790). Advanced modeling of protein sequence and biophysical properties (such as structural, functional, and spatial information, amino acid conservation, physicochemical variation, residue mobility, and thermodynamic stability) performed at Invitae indicates that this missense variant is not expected to disrupt NF1 protein function with a negative predictive value of 95%. In summary, the available evidence is currently insufficient to determine the role of this variant in disease. Therefore, it has been classified as a Variant of Uncertain Significance.